The following is an entry in ClinVar:

NM_001363711.2(DUOX2):c.311T>C (p.Leu104Pro)

Gene: DUOX2 (dual oxidase 2; minus strand). Cytogenetic location: 15q21.1.
Variant type: single nucleotide variant.
Coding change: c.311T>C on transcript NM_001363711.2 (MANE Select); coding-DNA position 311, T replaced by C.
Protein change: p.Leu104Pro; replaces leucine 104 with proline.
Molecular consequence: missense variant.
Genome position (GRCh38, 1-based): chr15:45,112,568, A>G on the plus strand (T>C on the coding strand, the complement: DUOX2 is on the minus strand). VCF-style: chr15-45112568-A-G. GRCh37 (hg19) VCF-style: chr15-45404766-A-G.
Other names: c.311T>C (NM_014080.4); c.311T>C, p.Leu104Pro (NM_014080.5); short protein forms L104P.
Identifiers: ClinVar variation 1931122 (VCV001931122.4), dbSNP rs1894463783, ClinGen allele CA392279581.

ClinVar aggregate classification (germline): Uncertain significance. Review status: criteria provided, multiple submitters, no conflicts (2 of 4 stars). 2 submissions from 2 submitters: Uncertain significance (2). Last evaluated 2025-08-11.

Conditions:
Inborn genetic diseases. Identifiers: MedGen C0950123, MeSH D030342.

Allele frequency attached by ClinVar (database versions not stated): TOPMed below 0.00001.

Submissions (2):

Labcorp Genetics (formerly Invitae), Labcorp
Classification: Uncertain significance. Last evaluated: 2025-08-11. Review status: criteria provided, single submitter. Criteria: Invitae Variant Classification Sherloc (09022015). Collection method: clinical testing. Allele origin: germline.
Comment: This sequence change replaces leucine, which is neutral and non-polar, with proline, which is neutral and non-polar, at codon 104 of the DUOX2 protein (p.Leu104Pro). This variant is not present in population databases (gnomAD no frequency). This variant has not been reported in the literature in individuals affected with DUOX2-related conditions. ClinVar contains an entry for this variant (Variation ID: 1931122). Invitae Evidence Modeling of protein sequence and biophysical properties (such as structural, functional, and spatial information, amino acid conservation, physicochemical variation, residue mobility, and thermodynamic stability) indicates that this missense variant is expected to disrupt DUOX2 protein function with a positive predictive value of 80%. In summary, the available evidence is currently insufficient to determine the role of this variant in disease. Therefore, it has been classified as a Variant of Uncertain Significance.

Ambry Genetics
Classification: Uncertain significance for Inborn genetic diseases. Last evaluated: 2025-01-09. Review status: criteria provided, single submitter. Criteria: Ambry Variant Classification Scheme 2023. Collection method: clinical testing. Allele origin: germline.